The following is an entry in ClinVar:

NM_001321120.2(TBX4):c.286A>G (p.Met96Val)

Gene: TBX4 (T-box transcription factor 4; plus strand). Cytogenetic location: 17q23.2.
Variant type: single nucleotide variant.
Coding change: c.286A>G on transcript NM_001321120.2 (MANE Select); coding-DNA position 286, A replaced by G.
Protein change: p.Met96Val; replaces methionine 96 with valine.
Molecular consequence: missense variant.
Genome position (GRCh38, 1-based): chr17:61,465,823, A>G. VCF-style: chr17-61465823-A-G. GRCh37 (hg19) VCF-style: chr17-59543184-A-G.
Other names: c.286A>G, p.Met96Val (NM_018488.3); short protein forms M96V.
Identifiers: ClinVar variation 4798207 (VCV004798207.1).

ClinVar aggregate classification (germline): Uncertain significance (1 of 4 stars; one submission).

Submission:

Labcorp Genetics (formerly Invitae), Labcorp
Classification: Uncertain significance. Last evaluated: 2025-03-19. Review status: criteria provided, single submitter. Criteria: Invitae Variant Classification Sherloc (09022015). Collection method: clinical testing. Allele origin: germline.
Comment: This sequence change replaces methionine, which is neutral and non-polar, with valine, which is neutral and non-polar, at codon 96 of the TBX4 protein (p.Met96Val). This variant is not present in population databases (gnomAD no frequency). This variant has not been reported in the literature in individuals affected with TBX4-related conditions. An algorithm developed to predict the effect of missense changes on protein structure and function (PolyPhen-2) suggests that this variant is likely to be tolerated. In summary, the available evidence is currently insufficient to determine the role of this variant in disease. Therefore, it has been classified as a Variant of Uncertain Significance.